The following is an entry in ClinVar:

NM_020937.4(FANCM):c.2474G>T (p.Ser825Ile)

Gene: FANCM (FA complementation group M; plus strand). Cytogenetic location: 14q21.2.
Variant type: single nucleotide variant.
Coding change: c.2474G>T on transcript NM_020937.4 (MANE Select); coding-DNA position 2474, G replaced by T.
Protein change: p.Ser825Ile; replaces serine 825 with isoleucine.
Molecular consequence: missense variant.
Genome position (GRCh38, 1-based): chr14:45,175,228, G>T. VCF-style: chr14-45175228-G-T. GRCh37 (hg19) VCF-style: chr14-45644431-G-T.
Other names: c.2396G>T, p.Ser799Ile (NM_001308133.2); short protein forms S825I, S799I.
Identifiers: ClinVar variation 5036593 (VCV005036593.1).

ClinVar aggregate classification (germline): Uncertain significance (1 of 4 stars; one submission).

Conditions:
Inborn genetic diseases. Identifiers: MedGen C0950123, MeSH D030342.

Submission:

Ambry Genetics
Classification: Uncertain significance for Inborn genetic diseases. Last evaluated: 2026-06-28. Review status: criteria provided, single submitter. Criteria: Ambry Variant Classification Scheme 2023. Collection method: clinical testing. Allele origin: germline.
Comment: The p.S825I variant (also known as c.2474G>T), located in coding exon 14 of the FANCM gene, results from a G to T substitution at nucleotide position 2474. The serine at codon 825 is replaced by isoleucine, an amino acid with dissimilar properties. This amino acid position is conserved. In addition, this alteration is predicted to be tolerated by in silico analysis. Based on the available evidence, the clinical significance of this variant remains unclear.